The following is an entry in ClinVar:

NM_001114753.3(ENG):c.1365C>A (p.Tyr455Ter)

Genes: ENG (endoglin; minus strand), LOC102723566 (uncharacterized LOC102723566; plus strand). Cytogenetic location: 9q34.11.
Variant type: single nucleotide variant.
Coding change: c.1365C>A on transcript NM_001114753.3 (MANE Select); coding-DNA position 1365, C replaced by A.
Protein change: p.Tyr455Ter; replaces tyrosine 455 with a stop codon.
Molecular consequence: nonsense.
Genome position (GRCh38, 1-based): chr9:127,818,779, G>T on the plus strand (C>A on the coding strand, the complement: ENG is on the minus strand). VCF-style: chr9-127818779-G-T. GRCh37 (hg19) VCF-style: chr9-130581058-G-T.
Other names: p.Tyr455*; c.1365C>A, p.Tyr455Ter (NM_000118.4); c.819C>A, p.Tyr273Ter (NM_001278138.2); short protein forms Y273*, Y455*.
Identifiers: ClinVar variation 983196 (VCV000983196.8), dbSNP rs774943840, ClinGen allele CA374977422.

ClinVar aggregate classification (germline): Pathogenic. Review status: criteria provided, multiple submitters, no conflicts (2 of 4 stars). 3 submissions from 3 submitters: Pathogenic (3). Last evaluated 2024-11-20.

Conditions:
Telangiectasia, hereditary hemorrhagic, type 1 (HHT1). Also called: Osler Weber Rendu syndrome type 1; ENG-Related Hereditary Hemorrhagic Telangiectasia. Identifiers: Orphanet 774, MedGen C4551861, MONDO:0008535, OMIM 187300. Disease mechanism: loss of function.
Hereditary hemorrhagic telangiectasia (HHT). Also called: Osler hemorrhagic telangiectasia syndrome; ORW DISEASE; Osler Weber Rendu syndrome; OSLER-RENDU-WEBER DISEASE. Identifiers: Orphanet 774, MedGen C0039445, MONDO:0019180. Disease mechanism: loss of function.

Submissions (3):

Labcorp Genetics (formerly Invitae), Labcorp
Classification: Pathogenic for Hereditary hemorrhagic telangiectasia. Last evaluated: 2024-11-20. Review status: criteria provided, single submitter. Criteria: Invitae Variant Classification Sherloc (09022015). Collection method: clinical testing. Allele origin: germline.
Comment: This sequence change creates a premature translational stop signal (p.Tyr455*) in the ENG gene. It is expected to result in an absent or disrupted protein product. Loss-of-function variants in ENG are known to be pathogenic (PMID: 15879500). This variant is not present in population databases (gnomAD no frequency). This premature translational stop signal has been observed in individual(s) with hereditary hemorrhagic telangiectasia (HHT) (PMID: 18673552, 32573726). ClinVar contains an entry for this variant (Variation ID: 983196). Algorithms developed to predict the effect of sequence changes on RNA splicing suggest that this variant may disrupt the consensus splice site. For these reasons, this variant has been classified as Pathogenic.

Mayo Clinic Laboratories, Mayo Clinic
Classification: Pathogenic. Last evaluated: 2024-05-10. Review status: criteria provided, single submitter. Criteria: ACMG Guidelines, 2015. Collection method: clinical testing. Allele origin: germline.
Comment: PM2, PS4_moderate, PVS1

NIHR Bioresource Rare Diseases, University of Cambridge
Classification: Pathogenic for Telangiectasia, hereditary hemorrhagic, type 1. Last evaluated: 2018-01-01. Review status: criteria provided, single submitter. Criteria: ACMG Guidelines, 2015. Collection method: research. Allele origin: unknown. Affected: yes. Observed: 1 variant allele.
Comment: PVS1+PM2+PP4

Literature cited by the submitters: PubMed 15879500 (cited by Labcorp Genetics (formerly Invitae), Labcorp); PubMed 18673552 (cited by Labcorp Genetics (formerly Invitae), Labcorp and Mayo Clinic Laboratories, Mayo Clinic); PubMed 32573726 (cited by 3 submitters).